The following is an entry in ClinVar:

ClinVar aggregate classification (germline): Conflicting classifications of pathogenicity. Review status: criteria provided, conflicting classifications (1 of 4 stars). 3 submissions from 3 submitters: Likely pathogenic (1); Uncertain significance (2). Last evaluated 2025-08-13.

Conditions:
Fanconi anemia complementation group O. Also called: RAD51C-Related Fanconi Anemia. Identifiers: Orphanet 84, MedGen C3150653, MONDO:0013248, OMIM 613390.
Hereditary cancer-predisposing syndrome. Also called: Hereditary neoplastic syndrome; Neoplastic Syndromes, Hereditary; Tumor predisposition; Hereditary Cancer Syndrome. Identifiers: Orphanet 140162, MedGen C0027672, MeSH D009386, MONDO:0015356.
Breast-ovarian cancer, familial, susceptibility to, 3. Also called: RAD51C-Related Breast/Ovarian Cancer. Identifiers: Orphanet 145, MedGen C3150659, MONDO:0013253, OMIM 613399.

Submissions (3):

Myriad Genetics, Inc.
Classification: Likely pathogenic for Breast-ovarian cancer, familial, susceptibility to, 3. Last evaluated: 2025-08-13. Review status: criteria provided, single submitter. Criteria: Myriad Autosomal Dominant, Autosomal Recessive and X-Linked Classification Criteria (2023). Collection method: clinical testing. Allele origin: unknown.
Comment: This variant is considered likely pathogenic. Functional studies indicate this variant impacts protein function [PMID: 39299233]. This variant is expected to disrupt protein structure [Myriad internal data].

Ambry Genetics
Classification: Uncertain significance for Hereditary cancer-predisposing syndrome. Last evaluated: 2024-07-19. Review status: criteria provided, single submitter. Criteria: Ambry Variant Classification Scheme 2023. Collection method: clinical testing. Allele origin: germline.
Comment: The c.361_363delACA variant (also known as p.T121del) is located in coding exon 2 of the RAD51C gene. This variant results from an in-frame ACA deletion at nucleotide positions 361 to 363. This results in the in-frame deletion of a threonine at codon 121. This amino acid position is highly conserved in available vertebrate species. In addition, this alteration is predicted to be deleterious by in silico analysis (Choi Y et al. PLoS ONE. 2012; 7(10):e46688). Since supporting evidence is limited at this time, the clinical significance of this alteration remains unclear.

Labcorp Genetics (formerly Invitae), Labcorp
Classification: Uncertain significance for Fanconi anemia complementation group O. Last evaluated: 2023-08-22. Review status: criteria provided, single submitter. Criteria: Invitae Variant Classification Sherloc (09022015). Collection method: clinical testing. Allele origin: germline.
Comment: This variant, c.361_363del, results in the deletion of 1 amino acid(s) of the RAD51C protein (p.Thr121del), but otherwise preserves the integrity of the reading frame. In summary, the available evidence is currently insufficient to determine the role of this variant in disease. Therefore, it has been classified as a Variant of Uncertain Significance. Experimental studies and prediction algorithms are not available or were not evaluated, and the functional significance of this variant is currently unknown. ClinVar contains an entry for this variant (Variation ID: 480492). This variant has not been reported in the literature in individuals affected with RAD51C-related conditions. This variant is not present in population databases (gnomAD no frequency).

Literature cited by the submitters: PubMed 39299233 (cited by Myriad Genetics, Inc.).

NM_058216.3(RAD51C):c.358ACA[1] (p.Thr121del)

Gene: RAD51C (RAD51 paralog C; plus strand). Cytogenetic location: 17q22.
Variant type: Microsatellite.
Coding change: c.358ACA[1] on transcript NM_058216.3 (MANE Select); one copy of the 3-base unit ACA starting at c.358; the reference has two copies in a row; one copy, 3 bases deleted.
Protein change: p.Thr121del; deletes threonine 121.
Molecular consequence: inframe deletion. On other transcripts: non-coding transcript variant (2).
Genome position (GRCh38, 1-based): chr17:58,695,146-58,695,148, ACA deleted; deleting any 3 consecutive bases within chr17:58,695,142-58,695,148 gives the same sequence; the position shown is the placement nearest the transcript's 3' end. VCF-style (leftmost placement, unchanged base first): chr17-58695141-AAAC-A. GRCh37 (hg19) VCF-style: chr17-56772502-AAAC-A.
Other names: c.358ACA[1], p.Thr121del (NM_002876.4); short protein forms T121del.
Identifiers: ClinVar variation 480492 (VCV000480492.16), dbSNP rs1555593808, ClinGen allele CA658658639.